The following is an entry in ClinVar:

NM_001395413.1(POR):c.1181C>T (p.Ser394Leu)

Gene: POR (cytochrome p450 oxidoreductase; plus strand). Cytogenetic location: 7q11.23.
Variant type: single nucleotide variant.
Coding change: c.1181C>T on transcript NM_001395413.1 (MANE Select); coding-DNA position 1181, C replaced by T.
Protein change: p.Ser394Leu; replaces serine 394 with leucine.
Molecular consequence: missense variant.
Genome position (GRCh38, 1-based): chr7:75,984,900, C>T. VCF-style: chr7-75984900-C-T. GRCh37 (hg19) VCF-style: chr7-75614218-C-T.
Other names: c.1190C>T, p.Ser397Leu (NM_000941.2, NM_000941.3); c.1181C>T, p.Ser394Leu (NM_001367562.3, NM_001382657.2, NM_001382658.3 and 2 more transcripts); c.1235C>T, p.Ser412Leu (NM_001382655.3); short protein forms S394L, S397L, S412L.
Identifiers: ClinVar variation 2063877 (VCV002063877.1), dbSNP rs200249978, ClinGen allele CA4304017.

ClinVar aggregate classification (germline): Uncertain significance (1 of 4 stars; one submission).

Conditions:
Congenital adrenal hyperplasia due to cytochrome P450 oxidoreductase deficiency. Also called: DISORDERED STEROIDOGENESIS DUE TO POR DEFICIENCY. Identifiers: Orphanet 95699, MedGen C1860042, MONDO:0013310, OMIM 613571.

Allele frequency attached by ClinVar (database versions not stated): gnomAD 0.00005; gnomAD exomes 0.00005; TOPMed 0.00006; ExAC 0.00012; ESP Exome Variant Server 0.00016; 1000 Genomes Project 30x 0.00031; 1000 Genomes Project 0.00040.
gnomAD v4.1: 78 of 1,610,938 alleles (0.0048%); highest among the groups gnomAD compares: Middle Eastern, 0.066%; no homozygotes.

Submission:

Labcorp Genetics (formerly Invitae), Labcorp
Classification: Uncertain significance for Congenital adrenal hyperplasia due to cytochrome P450 oxidoreductase deficiency. Last evaluated: 2022-06-15. Review status: criteria provided, single submitter. Criteria: Invitae Variant Classification Sherloc (09022015). Collection method: clinical testing. Allele origin: germline.
Comment: This sequence change replaces serine, which is neutral and polar, with leucine, which is neutral and non-polar, at codon 397 of the POR protein (p.Ser397Leu). This variant is present in population databases (rs200249978, gnomAD 0.03%). This variant has not been reported in the literature in individuals affected with POR-related conditions. Algorithms developed to predict the effect of missense changes on protein structure and function are either unavailable or do not agree on the potential impact of this missense change (SIFT: "Deleterious"; PolyPhen-2: "Benign"; Align-GVGD: "Class C0"). In summary, the available evidence is currently insufficient to determine the role of this variant in disease. Therefore, it has been classified as a Variant of Uncertain Significance.